The following is an entry in ClinVar:

ClinVar aggregate classification (germline): Uncertain significance (1 of 4 stars; one submission).

Allele frequency attached by ClinVar (database versions not stated): gnomAD 0.00001.
gnomAD v4.1: 4 of 1,614,056 alleles (0.00025%); highest among the groups gnomAD compares: Middle Eastern, 0.016%; no homozygotes.

Submission:

Labcorp Genetics (formerly Invitae), Labcorp
Classification: Uncertain significance. Last evaluated: 2025-07-03. Review status: criteria provided, single submitter. Criteria: Invitae Variant Classification Sherloc (09022015). Collection method: clinical testing. Allele origin: germline.
Comment: This sequence change replaces asparagine, which is neutral and polar, with lysine, which is basic and polar, at codon 194 of the IDH3A protein (p.Asn194Lys). This variant is not present in population databases (gnomAD no frequency). This variant has not been reported in the literature in individuals affected with IDH3A-related conditions. ClinVar contains an entry for this variant (Variation ID: 1045567). Invitae Evidence Modeling of protein sequence and biophysical properties (such as structural, functional, and spatial information, amino acid conservation, physicochemical variation, residue mobility, and thermodynamic stability) indicates that this missense variant is not expected to disrupt IDH3A protein function with a negative predictive value of 80%. In summary, the available evidence is currently insufficient to determine the role of this variant in disease. Therefore, it has been classified as a Variant of Uncertain Significance.

NM_005530.3(IDH3A):c.582C>G (p.Asn194Lys)

Gene: IDH3A (isocitrate dehydrogenase (NAD(+)) 3 catalytic subunit alpha; plus strand). Cytogenetic location: 15q25.1.
Variant type: single nucleotide variant.
Coding change: c.582C>G on transcript NM_005530.3 (MANE Select); coding-DNA position 582, C replaced by G.
Protein change: p.Asn194Lys; replaces asparagine 194 with lysine.
Molecular consequence: missense variant.
Genome position (GRCh38, 1-based): chr15:78,162,338, C>G. VCF-style: chr15-78162338-C-G. GRCh37 (hg19) VCF-style: chr15-78454680-C-G.
Other names: short protein forms N194K.
Identifiers: ClinVar variation 1045567 (VCV001045567.8), dbSNP rs1243714116, ClinGen allele CA393543370.